The following is an entry in ClinVar:

NM_001033855.3(DCLRE1C):c.1967C>T (p.Thr656Ile)

Gene: DCLRE1C (DNA cross-link repair 1C; minus strand). Cytogenetic location: 10p13.
Variant type: single nucleotide variant.
Coding change: c.1967C>T on transcript NM_001033855.3 (MANE Select); coding-DNA position 1967, C replaced by T.
Protein change: p.Thr656Ile; replaces threonine 656 with isoleucine.
Molecular consequence: missense variant. On other transcripts: non-coding transcript variant (3), intron variant (3).
Genome position (GRCh38, 1-based): chr10:14,908,520, G>A on the plus strand (C>T on the coding strand, the complement: DCLRE1C is on the minus strand). VCF-style: chr10-14908520-G-A. GRCh37 (hg19) VCF-style: chr10-14950519-G-A.
Other names: c.1607C>T, p.Thr536Ile (NM_001033857.3, NM_001033858.3, NM_001289077.2 and 1 more transcripts); c.1622C>T, p.Thr541Ile (NM_001289076.2, NM_001289078.2, NM_022487.4); c.1437+185C>T (NM_001350966.2); c.1782+185C>T (NM_001350965.2); c.1422+185C>T (NM_001350967.2); short protein forms T656I, T541I, T536I.
Identifiers: ClinVar variation 657924 (VCV000657924.5), dbSNP rs141357439, ClinGen allele CA5416360.

ClinVar aggregate classification (germline): Uncertain significance. Review status: criteria provided, single submitter (1 of 4 stars). 2 submissions from 2 submitters: Uncertain significance (1). 1 of the submissions does not count toward it. Last evaluated 2022-08-21.

Conditions:
Histiocytic medullary reticulosis. Also called: SEVERE COMBINED IMMUNODEFICIENCY WITH HYPEREOSINOPHILIA; Omenn syndrome. Identifiers: Orphanet 39041, MedGen C2700553, MONDO:0011338, OMIM 603554.
Severe combined immunodeficiency due to DCLRE1C deficiency (RS-SCID). Also called: SCID, AUTOSOMAL RECESSIVE, T CELL-NEGATIVE, B CELL-NEGATIVE, NK CELL-POSITIVE, WITH SENSITIVITY TO IONIZING RADIATION. Identifiers: Orphanet 275, MedGen C1865371, MONDO:0011225, OMIM 602450.

Allele frequency attached by ClinVar (database versions not stated): ExAC 0.00015; TOPMed 0.00030; gnomAD exomes 0.00011 and 0.00002; gnomAD 0.00028 and 0.00025; 1000 Genomes Project 30x 0.00031; ESP Exome Variant Server 0.00046; 1000 Genomes Project 0.00020.
gnomAD v4.1: 73 of 1,614,094 alleles (0.0045%); highest among the groups gnomAD compares: African/African-American, 0.092%; no homozygotes.

Submissions (2):

Labcorp Genetics (formerly Invitae), Labcorp
Classification: Uncertain significance for Athabaskan severe combined immunodeficiency. Last evaluated: 2022-08-21. Review status: criteria provided, single submitter. Criteria: Invitae Variant Classification Sherloc (09022015). Collection method: clinical testing. Allele origin: germline.
Comment: This sequence change replaces threonine, which is neutral and polar, with isoleucine, which is neutral and non-polar, at codon 656 of the DCLRE1C protein (p.Thr656Ile). This variant is present in population databases (rs141357439, gnomAD 0.1%). This variant has not been reported in the literature in individuals affected with DCLRE1C-related conditions. ClinVar contains an entry for this variant (Variation ID: 657924). Algorithms developed to predict the effect of missense changes on protein structure and function are either unavailable or do not agree on the potential impact of this missense change (SIFT: "Deleterious"; PolyPhen-2: "Probably Damaging"; Align-GVGD: "Class C0"). In summary, the available evidence is currently insufficient to determine the role of this variant in disease. Therefore, it has been classified as a Variant of Uncertain Significance.

Natera, Inc.
Classification: Uncertain significance for Omenn syndrome. Last evaluated: 2020-09-16. Review status: no assertion criteria provided. Collection method: clinical testing. Allele origin: germline. Not counted in ClinVar's aggregate classification.